The following is an entry in ClinVar:

NM_001110556.2(FLNA):c.4304-25_4304-17del

Gene: FLNA (filamin A; minus strand). Cytogenetic location: Xq28.
Variant type: Deletion.
Coding change: c.4304-25_4304-17del on transcript NM_001110556.2 (MANE Select); 25 bases into the intron before coding-DNA position 4304 through 17 bases into the intron before coding-DNA position 4304, 9 bases deleted (GCCATCCCT; older notation c.4304-25_4304-17delGCCATCCCT).
Molecular consequence: intron variant.
Genome position (GRCh38, 1-based): chrX:154,359,171-154,359,179, AGGGATGGC deleted on the plus strand (GCCATCCCT on the coding strand, the reverse complement: FLNA is on the minus strand). VCF-style (leftmost placement, unchanged base first): chrX-154359170-AAGGGATGGC-A. GRCh37 (hg19) VCF-style: chrX-153587538-AAGGGATGGC-A.
Other names: c.4304-25_4304-17delGCCATCCCT (NM_001110556.2); c.4304-25_4304-17del (NM_001456.4).
Identifiers: ClinVar variation 1652847 (VCV001652847.16), dbSNP rs782740969, ClinGen allele CA519276861.
Genomic context (GRCh38, chrX:154,359,170, plus strand): 5'-TGGACGCATCTGTCACATCATGCACAGGGACCTTGAAAGGACTGCCTGAGGGTTGGGGCA[AAGGGATGGC>A]GGCTGTATGAGACAGGGTGGGGACGAGCAGACAGTCCCAGCCCTGCCCTGGCCGCCACCT-3'

ClinVar aggregate classification (germline): Conflicting classifications of pathogenicity. Review status: criteria provided, conflicting classifications (1 of 4 stars). 3 submissions from 3 submitters: Uncertain significance (1); Likely benign (2). Last evaluated 2026-01-21.

Conditions:
Melnick-Needles syndrome (MNS). Also called: Melnick-Needles Syndrome (FLNA-MNS); MELNICK-NEEDLES OSTEODYSPLASTY; OSTEODYSPLASTY OF MELNICK AND NEEDLES. Identifiers: Orphanet 2484, MedGen C0025237, MONDO:0010650, OMIM 309350.
Frontometaphyseal dysplasia (FMD1). Identifiers: Orphanet 1826, MedGen C0265293, MONDO:0015942.
Heterotopia, periventricular, X-linked dominant (PVNH1). Also called: PERIVENTRICULAR NODULAR HETEROTOPIA 1; X-linked periventricular heterotopia; PERIVENTRICULAR NODULAR HETEROTOPIA 4; HETEROTOPIA, PERIVENTRICULAR, 1. Identifiers: Orphanet 2149, Orphanet 82004, MedGen C1848213, MONDO:0010233, OMIM 300049.
Oto-palato-digital syndrome, type II (OPD2). Also called: Otopalatodigital Syndrome Type 2 (FLNA-OPD2); Otopalatodigital Syndrome, Type II; FACIOPALATOOSSEOUS SYNDROME; OPD II SYNDROME. Identifiers: Orphanet 669, Orphanet 90652, MedGen C1844696, MONDO:0010571, OMIM 304120.

Allele frequency attached by ClinVar (database versions not stated): gnomAD exomes 0.00001 and 0.00004; TOPMed 0.00004; gnomAD 0.00007 and 0.00008.

Submissions (3):

Labcorp Genetics (formerly Invitae), Labcorp
Classification: Likely benign for Oto-palato-digital syndrome, type II; Heterotopia, periventricular, X-linked dominant; Frontometaphyseal dysplasia; Melnick-Needles syndrome. Last evaluated: 2026-01-21. Review status: criteria provided, single submitter. Criteria: Invitae Variant Classification Sherloc (09022015). Collection method: clinical testing. Allele origin: germline.

Women's Health and Genetics/Laboratory Corporation of America, LabCorp
Classification: Likely benign. Last evaluated: 2024-07-22. Review status: criteria provided, single submitter. Criteria: LabCorp Variant Classification Summary - May 2015. Collection method: clinical testing. Allele origin: germline.
Comment: Variant summary: FLNA c.4304-25_4304-17delGCCATCCCT alters a non-conserved nucleotide located at a position not widely known to affect splicing. Consensus agreement among computation tools predict no significant impact on normal splicing. However, these predictions have yet to be confirmed by functional studies. The variant allele was found at a frequency of 1.1e-05 in 181539 control chromosomes. The available data on variant occurrences in the general population are insufficient to allow any conclusion about variant significance. To our knowledge, no occurrence of c.4304-25_4304-17delGCCATCCCT in individuals affected with Periventricular Nodular Heterotopia 1 and no experimental evidence demonstrating its impact on protein function have been reported. ClinVar contains an entry for this variant (Variation ID: 1652847). Based on the evidence outlined above, the variant was classified as likely benign.

ARUP Laboratories, Molecular Genetics and Genomics, ARUP Laboratories
Classification: Uncertain significance. Last evaluated: 2022-01-14. Review status: criteria provided, single submitter. Criteria: ARUP Molecular Germline Variant Investigation Process 2021. Collection method: clinical testing. Allele origin: germline.
Comment: The FLNA c.4304-25_4304-17delGCCATCCCT variant (rs782740969), to our knowledge, is not reported in the medical literature or gene specific databases. This variant is only observed on two alleles in the Genome Aggregation Database, indicating it is not a common polymorphism. This is an intronic variant that deletes nine nucleotides of intron 25, and computational analyses (Alamut v.2.11) predict that this variant may impact splicing by weakening the nearby canonical acceptor splice site. However, without functional studies, the effect on splicing is unknown. Due to limited information, the clinical significance of this variant is uncertain at this time.